The following is an entry in ClinVar:

NM_004260.4(RECQL4):c.3457G>C (p.Glu1153Gln)

Gene: RECQL4 (RecQ like helicase 4; minus strand). Cytogenetic location: 8q24.3.
Variant type: single nucleotide variant.
Coding change: c.3457G>C on transcript NM_004260.4 (MANE Select); coding-DNA position 3457, G replaced by C.
Protein change: p.Glu1153Gln; replaces glutamic acid 1153 with glutamine.
Molecular consequence: missense variant. On other transcripts: non-coding transcript variant (3).
Genome position (GRCh38, 1-based): chr8:144,511,726, C>G on the plus strand (G>C on the coding strand, the complement: RECQL4 is on the minus strand). VCF-style: chr8-144511726-C-G. GRCh37 (hg19) VCF-style: chr8-145737109-C-G.
Other names: c.3163G>C, p.Glu1055Gln (NM_001413017.1); c.3259G>C, p.Glu1087Gln (NM_001413018.1); c.3532G>C, p.Glu1178Gln (NM_001413019.1); c.3361G>C, p.Glu1121Gln (NM_001413020.1); c.2386G>C, p.Glu796Gln (NM_001413021.1, NM_001413022.1, NM_001413024.1 and 4 more transcripts); c.2461G>C, p.Glu821Gln (NM_001413023.1); c.3328G>C, p.Glu1110Gln (NM_001413025.1); c.2320G>C, p.Glu774Gln (NM_001413027.1, NM_001413030.1, NM_001413032.1); and 10 more; short protein forms E1036Q, E1055Q, E1110Q, E1121Q, E774Q, E786Q, E1156Q, E730Q.
Identifiers: ClinVar variation 2910162 (VCV002910162.4), dbSNP rs564143545, ClinGen allele CA372667006.

ClinVar aggregate classification (germline): Conflicting classifications of pathogenicity. Review status: criteria provided, conflicting classifications (1 of 4 stars). 2 submissions from 2 submitters: Uncertain significance (1); Likely benign (1). Last evaluated 2025-02-11.

Conditions:
Baller-Gerold syndrome (BGS). Also called: CRANIOSYNOSTOSIS WITH RADIAL DEFECTS. Identifiers: Orphanet 1225, MedGen C0265308, MONDO:0009039, OMIM 218600.
Inborn genetic diseases. Identifiers: MedGen C0950123, MeSH D030342.

Submissions (2):

Ambry Genetics
Classification: Likely benign for Inborn genetic diseases. Last evaluated: 2025-02-11. Review status: criteria provided, single submitter. Criteria: Ambry Variant Classification Scheme 2023. Collection method: clinical testing. Allele origin: germline.

Labcorp Genetics (formerly Invitae), Labcorp
Classification: Uncertain significance for Baller-Gerold syndrome. Last evaluated: 2023-04-13. Review status: criteria provided, single submitter. Criteria: Invitae Variant Classification Sherloc (09022015). Collection method: clinical testing. Allele origin: germline.
Comment: In summary, the available evidence is currently insufficient to determine the role of this variant in disease. Therefore, it has been classified as a Variant of Uncertain Significance. Advanced modeling of protein sequence and biophysical properties (such as structural, functional, and spatial information, amino acid conservation, physicochemical variation, residue mobility, and thermodynamic stability) performed at Invitae indicates that this missense variant is not expected to disrupt RECQL4 protein function. This variant has not been reported in the literature in individuals affected with RECQL4-related conditions. This variant is not present in population databases (gnomAD no frequency). This sequence change replaces glutamic acid, which is acidic and polar, with glutamine, which is neutral and polar, at codon 1153 of the RECQL4 protein (p.Glu1153Gln).